The following is an entry in ClinVar:

ClinVar aggregate classification (germline): Pathogenic/Likely pathogenic. Review status: criteria provided, multiple submitters, no conflicts (2 of 4 stars). 2 submissions from 2 submitters: Pathogenic (1); Likely pathogenic (1). Last evaluated 2022-03-23.

Conditions:
Rare genetic deafness. Identifiers: Orphanet 96210, MedGen C5680250.

Submissions (2):

Labcorp Genetics (formerly Invitae), Labcorp
Classification: Pathogenic. Last evaluated: 2022-03-23. Review status: criteria provided, single submitter. Criteria: Invitae Variant Classification Sherloc (09022015). Collection method: clinical testing. Allele origin: germline.
Comment: For these reasons, this variant has been classified as Pathogenic. ClinVar contains an entry for this variant (Variation ID: 43346). This premature translational stop signal has been observed in individual(s) with X-linked recessive deafness (PMID: 21633365). It has also been observed to segregate with disease in related individuals. This variant is not present in population databases (gnomAD no frequency). This sequence change creates a premature translational stop signal (p.Trp114*) in the POU3F4 gene. While this is not anticipated to result in nonsense mediated decay, it is expected to disrupt the last 248 amino acid(s) of the POU3F4 protein.

Laboratory for Molecular Medicine, Mass General Brigham Personalized Medicine
Classification: Likely pathogenic for Rare genetic deafness. Last evaluated: 2008-03-01. Review status: criteria provided, single submitter. Criteria: LMM Criteria. Collection method: clinical testing. Allele origin: germline. Observed: 2 variant alleles.

Literature cited by the submitters: PubMed 21633365 (cited by Labcorp Genetics (formerly Invitae), Labcorp).

NM_000307.5(POU3F4):c.341G>A (p.Trp114Ter)

Gene: POU3F4 (POU class 3 homeobox 4; plus strand). Cytogenetic location: Xq21.1.
Variant type: single nucleotide variant.
Coding change: c.341G>A on transcript NM_000307.5 (MANE Select); coding-DNA position 341, G replaced by A.
Protein change: p.Trp114Ter; replaces tryptophan 114 with a stop codon.
Molecular consequence: nonsense.
Genome position (GRCh38, 1-based): chrX:83,508,665, G>A. VCF-style: chrX-83508665-G-A. GRCh37 (hg19) VCF-style: chrX-82763673-G-A.
Other names: short protein forms W114*.
Identifiers: ClinVar variation 43346 (VCV000043346.10), dbSNP rs111033343, ClinGen allele CA261362.